The following is an entry in ClinVar:

ClinVar aggregate classification (germline): Uncertain significance (1 of 4 stars; one submission).

Conditions:
Hypertrophic cardiomyopathy. Also called: HYPERTROPHIC MYOCARDIOPATHY. Identifiers: Orphanet 217569, MedGen C0007194, MeSH D002312, MONDO:0005045, HP:0001639.

Allele frequency attached by ClinVar (database versions not stated): gnomAD exomes 0.00001.

Submission:

Labcorp Genetics (formerly Invitae), Labcorp
Classification: Uncertain significance for Hypertrophic cardiomyopathy. Last evaluated: 2016-12-21. Review status: criteria provided, single submitter. Criteria: Invitae Variant Classification Sherloc (09022015). Collection method: clinical testing. Allele origin: germline.
Comment: In summary, this variant is a novel missense change with uncertain impact on protein function. It has been classified as a Variant of Uncertain Significance. This variant is not present in population databases (ExAC no frequency) and has not been reported in the literature in individuals with a JPH2-related disease. Algorithms developed to predict the effect of missense changes on protein structure and function (SIFT, PolyPhen-2, Align-GVGD) all suggest that this variant is likely to be disruptive, but these predictions have not been confirmed by published functional studies. This sequence change replaces proline with leucine at codon 55 of the JPH2 protein (p.Pro55Leu). The proline residue is highly conserved and there is a moderate physicochemical difference between proline and leucine.

NM_020433.5(JPH2):c.164C>T (p.Pro55Leu)

Gene: JPH2 (junctophilin 2; minus strand). Cytogenetic location: 20q13.12.
Variant type: single nucleotide variant.
Coding change: c.164C>T on transcript NM_020433.5 (MANE Select); coding-DNA position 164, C replaced by T.
Protein change: p.Pro55Leu; replaces proline 55 with leucine.
Molecular consequence: missense variant.
Genome position (GRCh38, 1-based): chr20:44,186,542, G>A on the plus strand (C>T on the coding strand, the complement: JPH2 is on the minus strand). VCF-style: chr20-44186542-G-A. GRCh37 (hg19) VCF-style: chr20-42815182-G-A.
Other names: c.164C>T, p.Pro55Leu (NM_175913.4); short protein forms P55L.
Identifiers: ClinVar variation 403850 (VCV000403850.8), dbSNP rs1060499996, ClinGen allele CA16616225.